The following is an entry in ClinVar:

ClinVar aggregate classification (germline): Uncertain significance (1 of 4 stars; one submission).

Submission:

Ambry Genetics
Classification: Uncertain significance. Last evaluated: 2026-08-18. Review status: criteria provided, single submitter. Criteria: Ambry Variant Classification Scheme 2023. Collection method: clinical testing. Allele origin: germline.
Comment: The p.V743A variant (also known as c.2228T>C), located in coding exon 10 of the WNK2 gene, results from a T to C substitution at nucleotide position 2228. The valine at codon 743 is replaced by alanine, an amino acid with similar properties. This amino acid position is conserved. In addition, this alteration is predicted to be tolerated by in silico analysis. Based on the available evidence, the clinical significance of this variant remains unclear.

NM_006648.4(WNK2):c.2228T>C (p.Val743Ala)

Gene: WNK2 (WNK lysine deficient protein kinase 2; plus strand). Cytogenetic location: 9q22.31.
Variant type: single nucleotide variant.
Coding change: c.2228T>C on transcript NM_006648.4 (MANE Select); coding-DNA position 2228, T replaced by C.
Protein change: p.Val743Ala; replaces valine 743 with alanine.
Molecular consequence: missense variant.
Genome position (GRCh38, 1-based): chr9:93,256,985, T>C. VCF-style: chr9-93256985-T-C. GRCh37 (hg19) VCF-style: chr9-96019267-T-C.
Other names: c.2228T>C, p.Val743Ala (NM_001282394.3); short protein forms V743A.
Identifiers: ClinVar variation 5031933 (VCV005031933.1).